The following is an entry in ClinVar:

ClinVar aggregate classification (germline): Uncertain significance. Review status: criteria provided, multiple submitters, no conflicts (2 of 4 stars). 9 submissions from 9 submitters: Uncertain significance (9). Last evaluated 2026-01-27.

Conditions:
Hereditary cancer-predisposing syndrome. Also called: Neoplastic Syndromes, Hereditary; Hereditary Cancer Syndrome; Hereditary neoplastic syndrome; Tumor predisposition. Identifiers: Orphanet 140162, MedGen C0027672, MeSH D009386, MONDO:0015356.
Hereditary breast ovarian cancer syndrome. Also called: Hereditary breast and ovarian cancer syndrome (HBOC); Hereditary breast and ovarian cancer syndrome; Breast and ovarian cancer; BRCA1- and BRCA2-Associated Hereditary Breast and Ovarian Cancer; Hereditary breast and ovarian cancer; Hereditary breast and/or ovarian cancer syndrome. Identifiers: Orphanet 145, MedGen C0677776, MeSH D061325, MONDO:0003582. Disease mechanism: loss of function.
Familial cancer of breast. Also called: BREAST CANCER, FAMILIAL; hereditary breast carcinoma; Hereditary breast cancer. Identifiers: Orphanet 227535, MedGen C0346153, MONDO:0016419, OMIM 114480. Disease mechanism: loss of function.
BRCA2-related cancer predisposition. Identifiers: MedGen CN377758, MONDO:0700269.

Allele frequency attached by ClinVar (database versions not stated): gnomAD exomes below 0.00001; gnomAD 0.00001; TOPMed 0.00001.
gnomAD v4.1: 4 of 1,614,110 alleles (0.00025%); highest among the groups gnomAD compares: African/African-American, 0.0027%; no homozygotes.

Submissions (9):

Labcorp Genetics (formerly Invitae), Labcorp
Classification: Uncertain significance for Hereditary breast ovarian cancer syndrome. Last evaluated: 2026-01-27. Review status: criteria provided, single submitter. Criteria: Invitae Variant Classification Sherloc (09022015). Collection method: clinical testing. Allele origin: germline.
Comment: This sequence change replaces lysine, which is basic and polar, with glutamic acid, which is acidic and polar, at codon 2707 of the BRCA2 protein (p.Lys2707Glu). This variant is present in population databases (no rsID available, gnomAD 0.007%). This missense change has been observed in individual(s) with clinical features of BRCA2-related conditions (PMID: 21520333). ClinVar contains an entry for this variant (Variation ID: 479316). Invitae Evidence Modeling of protein sequence and biophysical properties (such as structural, functional, and spatial information, amino acid conservation, physicochemical variation, residue mobility, and thermodynamic stability) indicates that this missense variant is not expected to disrupt BRCA2 protein function with a negative predictive value of 95%. In summary, the available evidence is currently insufficient to determine the role of this variant in disease. Therefore, it has been classified as a Variant of Uncertain Significance.

Women's Health and Genetics/Laboratory Corporation of America, LabCorp
Classification: Uncertain significance. Last evaluated: 2025-04-07. Review status: criteria provided, single submitter. Criteria: LabCorp Variant Classification Summary - May 2015. Collection method: clinical testing. Allele origin: germline.
Comment: Variant summary: BRCA2 c.8119A>G (p.Lys2707Glu) results in a conservative amino acid change located in the BRCA2, OB1 domain (IPR015187) of the encoded protein sequence. Three of five in-silico tools predict a benign effect of the variant on protein function. The variant allele was found at a frequency of 4e-06 in 251356 control chromosomes. The available data on variant occurrences in the general population are insufficient to allow any conclusion about variant significance. c.8119A>G has been reported in the literature in at-least one individual diagnosed with Breast And/or Ovarian Cancer without strong evidence for causality (Walsh_2021). These report(s) do not provide unequivocal conclusions about association of the variant with Hereditary Breast And Ovarian Cancer Syndrome. To our knowledge, no experimental evidence demonstrating an impact on protein function has been reported. The following publication has been ascertained in the context of this evaluation (PMID: 33479248). ClinVar contains an entry for this variant (Variation ID: 479316). Based on the evidence outlined above, the variant was classified as uncertain significance.

Ambry Genetics
Classification: Uncertain significance for Hereditary cancer-predisposing syndrome. Last evaluated: 2024-08-19. Review status: criteria provided, single submitter. Criteria: Ambry Variant Classification Scheme 2023. Collection method: clinical testing. Allele origin: germline.
Comment: The p.K2707E variant (also known as c.8119A>G), located in coding exon 17 of the BRCA2 gene, results from an A to G substitution at nucleotide position 8119. The lysine at codon 2707 is replaced by glutamic acid, an amino acid with similar properties. This amino acid position is not well conserved in available vertebrate species. In addition, the in silico prediction for this alteration is inconclusive. Since supporting evidence is limited at this time, the clinical significance of this alteration remains unclear.

All of Us Research Program, National Institutes of Health
Classification: Uncertain significance for BRCA2-related cancer predisposition. Last evaluated: 2024-07-29. Review status: criteria provided, single submitter. Criteria: ACMG Guidelines, 2015. Collection method: clinical testing. Allele origin: germline. Inheritance: Autosomal dominant inheritance. Observed: 2 variant alleles, 2 heterozygotes.
Comment: This missense variant replaces lysine with glutamic acid at codon 2707 of the BRCA2 protein. Computational prediction suggests that this variant may not impact protein structure and function (internally defined REVEL score threshold <= 0.5, PMID: 27666373). To our knowledge, functional studies have not been reported for this variant. This variant has not been reported in individuals affected with hereditary cancer in the literature. This variant has been identified in 1/251356 chromosomes in the general population by the Genome Aggregation Database (gnomAD). The available evidence is insufficient to determine the role of this variant in disease conclusively. Therefore, this variant is classified as a Variant of Uncertain Significance.

This study involves interpretation of variants in research participants for the purpose of population health screening. Participant phenotype was not available at the time of variant classification. Additional details can be found in publication PMID: 35346344, PMCID: PMC8962531

Color Diagnostics, LLC DBA Color Health
Classification: Uncertain significance for Hereditary cancer-predisposing syndrome. Last evaluated: 2024-07-17. Review status: criteria provided, single submitter. Criteria: ACMG Guidelines, 2015. Collection method: clinical testing. Allele origin: germline.
Comment: This missense variant replaces lysine with glutamic acid at codon 2707 of the BRCA2 protein. Computational prediction suggests that this variant may not impact protein structure and function. To our knowledge, functional studies have not been reported for this variant. This variant has not been reported in individuals affected with BRCA2-related disorders in the literature. This variant has been identified in 1/251356 chromosomes in the general population by the Genome Aggregation Database (gnomAD). The available evidence is insufficient to determine the role of this variant in disease conclusively. Therefore, this variant is classified as a Variant of Uncertain Significance.

Baylor Genetics
Classification: Uncertain significance for Familial cancer of breast. Last evaluated: 2024-02-10. Review status: criteria provided, single submitter. Criteria: ACMG Guidelines, 2015. Collection method: clinical testing. Allele origin: unknown.

Department of Pathology and Laboratory Medicine, Sinai Health System
Classification: Uncertain significance for BRCA2-related cancer predisposition. Last evaluated: 2023-10-24. Review status: criteria provided, single submitter. Criteria: ACMG Guidelines, 2015. Collection method: clinical testing. Allele origin: germline. Affected: no.

Sema4
Classification: Uncertain significance for Hereditary cancer-predisposing syndrome. Last evaluated: 2021-11-16. Review status: criteria provided, single submitter. Criteria: Sema4 Curation Guidelines. Collection method: curation. Allele origin: germline.
Comment: The BRCA2 c.8119A>G (p.K2707E) variant has not been reported in the literature to our knowledge. It was observed in 1/251356 chromosomes in the large and broad cohorts of the Genome Aggregation Database (PMID: 32461654). This variant has been reported in ClinVar (Variation ID: 479316). Functional studies have not been performed, and in silico predictions of the variant's effect on protein function are inconclusive. The evidence is insufficient to meet ACMG/AMP criteria for classifying the variant as benign or pathogenic. Thus, the clinical significance of this variant is currently uncertain.

GeneDx
Classification: Uncertain significance. Last evaluated: 2019-07-29. Review status: criteria provided, single submitter. Criteria: GeneDx Variant Classification Process June 2021. Collection method: clinical testing. Allele origin: germline. Affected: yes.
Comment: Not observed at a significant frequency in large population cohorts (Lek et al., 2016); In silico analysis, which includes protein predictors and evolutionary conservation, supports that this variant does not alter protein structure/function; Has not been previously published as pathogenic or benign to our knowledge

Literature cited by the submitters: PubMed 21520333 (cited by Labcorp Genetics (formerly Invitae), Labcorp); PubMed 33479248 (cited by Women's Health and Genetics/Laboratory Corporation of America, LabCorp and Department of Pathology and Laboratory Medicine, Sinai Health System).

NM_000059.4(BRCA2):c.8119A>G (p.Lys2707Glu)

Gene: BRCA2 (BRCA2 DNA repair associated; plus strand). Cytogenetic location: 13q13.1.
Variant type: single nucleotide variant.
Coding change: c.8119A>G on transcript NM_000059.4 (MANE Select); coding-DNA position 8119, A replaced by G.
Protein change: p.Lys2707Glu; replaces lysine 2707 with glutamic acid.
Molecular consequence: missense variant.
Genome position (GRCh38, 1-based): chr13:32,363,321, A>G. VCF-style: chr13-32363321-A-G. GRCh37 (hg19) VCF-style: chr13-32937458-A-G.
Other names: short protein forms K2707E.
Identifiers: ClinVar variation 479316 (VCV000479316.27), dbSNP rs1046479731, ClinGen allele CA247477722.